The following is an entry in ClinVar:

ClinVar aggregate classification (germline): Conflicting classifications of pathogenicity. Review status: criteria provided, conflicting classifications (1 of 4 stars). 2 submissions from 2 submitters: Uncertain significance (1); Likely benign (1). Last evaluated 2025-07-15.

Conditions:
Amyotrophic lateral sclerosis type 15. Also called: AMYOTROPHIC LATERAL SCLEROSIS 15 WITH FRONTOTEMPORAL DEMENTIA. Identifiers: Orphanet 803, MedGen C3275459, MONDO:0010459, OMIM 300857.

Allele frequency attached by ClinVar (database versions not stated): TOPMed below 0.00001; gnomAD 0.00001.

Submissions (2):

Labcorp Genetics (formerly Invitae), Labcorp
Classification: Uncertain significance for Amyotrophic lateral sclerosis type 15. Last evaluated: 2025-07-15. Review status: criteria provided, single submitter. Criteria: Invitae Variant Classification Sherloc (09022015). Collection method: clinical testing. Allele origin: germline.
Comment: This sequence change affects codon 532 of the UBQLN2 mRNA. It is a 'silent' change, meaning that it does not change the encoded amino acid sequence of the UBQLN2 protein. This variant is not present in population databases (gnomAD no frequency). This variant has not been reported in the literature in individuals affected with UBQLN2-related conditions. ClinVar contains an entry for this variant (Variation ID: 2660710). In summary, the available evidence is currently insufficient to determine the role of this variant in disease. Therefore, it has been classified as a Variant of Uncertain Significance.

CeGaT Center for Human Genetics Tuebingen
Classification: Likely benign. Last evaluated: 2023-02-01. Review status: criteria provided, single submitter. Criteria: CeGaT Center For Human Genetics Tuebingen Variant Classification Criteria Version 2. Collection method: clinical testing. Allele origin: germline. Affected: yes. Observed: 1 variant allele.
Comment: UBQLN2: BP4, BP7

NM_013444.4(UBQLN2):c.1596C>T (p.Gly532=)

Gene: UBQLN2 (ubiquilin 2; plus strand). Cytogenetic location: Xp11.21.
Variant type: single nucleotide variant.
Coding change: c.1596C>T on transcript NM_013444.4 (MANE Select); coding-DNA position 1596, C replaced by T.
Protein change: p.Gly532=; no amino-acid change (glycine 532 retained).
Molecular consequence: synonymous variant.
Genome position (GRCh38, 1-based): chrX:56,565,469, C>T. VCF-style: chrX-56565469-C-T. GRCh37 (hg19) VCF-style: chrX-56591902-C-T.
Identifiers: ClinVar variation 2660710 (VCV002660710.25), dbSNP rs1164344738, ClinGen allele CA516701580.